The following is an entry in ClinVar:

ClinVar aggregate classification (germline): Likely benign. Review status: criteria provided, multiple submitters, no conflicts (2 of 4 stars). 3 submissions from 3 submitters: Likely benign (2). 1 of the submissions does not count toward it. Last evaluated 2024-11-08.

Conditions:
CDH23-related disorder. Also called: CDH23-related condition; CDH23-related disorders.

Allele frequency attached by ClinVar (database versions not stated): gnomAD 0.00001 and 0.00002; gnomAD exomes 0.00002 and 0.00003; TOPMed 0.00003.
gnomAD v4.1: 32 of 1,613,868 alleles (0.002%); highest among the groups gnomAD compares: East Asian, 0.0089%; no homozygotes.

Submissions (3):

Blueprint Genetics
Classification: Likely benign. Last evaluated: 2024-11-08. Review status: criteria provided, single submitter. Criteria: ACMG Guidelines, 2015. Collection method: clinical testing. Allele origin: germline.

Labcorp Genetics (formerly Invitae), Labcorp
Classification: Likely benign. Last evaluated: 2024-01-09. Review status: criteria provided, single submitter. Criteria: Invitae Variant Classification Sherloc (09022015). Collection method: clinical testing. Allele origin: germline.

PreventionGenetics, part of Exact Sciences
Classification: Likely benign for CDH23-related condition. Last evaluated: 2020-04-20. Review status: no assertion criteria provided. Collection method: clinical testing. Allele origin: germline. Not counted in ClinVar's aggregate classification.
Comment: This variant is classified as likely benign based on ACMG/AMP sequence variant interpretation guidelines (Richards et al. 2015 PMID: 25741868, with internal and published modifications).

NM_022124.6(CDH23):c.9429C>T (p.Ala3143=)

Gene: CDH23 (cadherin related 23; plus strand). Cytogenetic location: 10q22.1.
Variant type: single nucleotide variant.
Coding change: c.9429C>T on transcript NM_022124.6 (MANE Select); coding-DNA position 9429, C replaced by T.
Protein change: p.Ala3143=; no amino-acid change (alanine 3143 retained).
Molecular consequence: synonymous variant.
Genome position (GRCh38, 1-based): chr10:71,812,528, C>T. VCF-style: chr10-71812528-C-T. GRCh37 (hg19) VCF-style: chr10-73572285-C-T.
Other names: c.2709C>T, p.Ala903= (NM_001171933.1, NM_001171934.1); c.120C>T, p.Ala40= (NM_001171935.1, NM_001171936.1).
Identifiers: ClinVar variation 795313 (VCV000795313.13), dbSNP rs1000025762, ClinGen allele CA209444052.